The following is an entry in ClinVar:

ClinVar aggregate classification (germline): Uncertain significance (1 of 4 stars; one submission).

Conditions:
Perlman syndrome (PRLMNS). Identifiers: Orphanet 2849, MedGen C0796113, MONDO:0009965, OMIM 267000.

Submission:

Labcorp Genetics (formerly Invitae), Labcorp
Classification: Uncertain significance for Perlman syndrome. Last evaluated: 2018-09-12. Review status: criteria provided, single submitter. Criteria: Invitae Variant Classification Sherloc (09022015). Collection method: clinical testing. Allele origin: germline.
Comment: In summary, the available evidence is currently insufficient to determine the role of this variant in disease. Therefore, it has been classified as a Variant of Uncertain Significance. Nucleotide substitutions within the consensus splice site are a relatively common cause of aberrant splicing (PMID: 17576681, 9536098). Algorithms developed to predict the effect of sequence changes on RNA splicing suggest that this variant may disrupt the consensus splice site, but this prediction has not been confirmed by published transcriptional studies. This variant has not been reported in the literature in individuals with DIS3L2-related disease. This variant is not present in population databases (ExAC no frequency). This sequence change falls in intron 8 of the DIS3L2 gene. It does not directly change the encoded amino acid sequence of the DIS3L2 protein, but it affects a nucleotide within the consensus splice site of the intron.

Literature cited by the submitters: PubMed 17576681; PubMed 9536098.

NM_152383.5(DIS3L2):c.950+5G>T

Gene: DIS3L2 (DIS3 like 3'-5' exoribonuclease 2; plus strand). Cytogenetic location: 2q37.1.
Variant type: single nucleotide variant.
Coding change: c.950+5G>T on transcript NM_152383.5 (MANE Select); 5 bases into the intron after coding-DNA position 950, G replaced by T.
Molecular consequence: intron variant.
Genome position (GRCh38, 1-based): chr2:232,136,724, G>T. VCF-style: chr2-232136724-G-T. GRCh37 (hg19) VCF-style: chr2-233001434-G-T.
Other names: c.950+5G>T (NM_001257281.2).
Identifiers: ClinVar variation 658156 (VCV000658156.6), dbSNP rs1574902664, ClinGen allele CA915941778.
Genomic context (GRCh38, chr2:232,136,724, plus strand): 5'-ACACTGTTCATCTGCCGCATTGTGGACTGGAAGGAGGACTGCAATTTTGCCCTGGGGTAG[G>T]TGATCTCTGGTAGGAAAAACCACAGGTCACAGGCAGAACTCAGTTTAGGTGGTCTTTAGG-3'